The following is an entry in ClinVar:

ClinVar aggregate classification (germline): Uncertain significance. Review status: criteria provided, multiple submitters, no conflicts (2 of 4 stars). 6 submissions from 6 submitters: Uncertain significance (5). 1 of the submissions does not count toward it. Last evaluated 2026-01-08.

Conditions:
Cardiovascular phenotype. Identifiers: MedGen CN230736.
Charcot-Marie-Tooth disease type 2. Also called: Charcot-Marie-Tooth type 2. Identifiers: Orphanet 64746, MedGen C0270914, MONDO:0018993.
Congenital muscular dystrophy due to LMNA mutation. Also called: Congenital muscular dystrophy, LMNA-related; Lamin A-related Congenital Muscular Dystrophy. Identifiers: Orphanet 157973, MedGen C2750785, MONDO:0013178, OMIM 613205.
Primary dilated cardiomyopathy (DCM). Also called: Dilated Cardiomyopathy. Identifiers: Orphanet 217604, MedGen C0007193, MeSH D002311, MONDO:0005021, HP:0001644. Inheritance: Various modes of inheritance.

Allele frequency attached by ClinVar (database versions not stated): gnomAD 0.00001; TOPMed below 0.00001; gnomAD exomes below 0.00001.
gnomAD v4.1: 6 of 1,612,454 alleles (0.00037%); highest among the groups gnomAD compares: African/African-American, 0.0013%; no homozygotes.

Submissions (6):

Labcorp Genetics (formerly Invitae), Labcorp
Classification: Uncertain significance for Charcot-Marie-Tooth disease type 2. Last evaluated: 2026-01-08. Review status: criteria provided, single submitter. Criteria: Invitae Variant Classification Sherloc (09022015). Collection method: clinical testing. Allele origin: germline.
Comment: This sequence change replaces arginine, which is basic and polar, with cysteine, which is neutral and slightly polar, at codon 388 of the LMNA protein (p.Arg388Cys). The frequency data for this variant in the population databases is considered unreliable, as metrics indicate poor data quality at this position in the gnomAD database. This missense change has been observed in individual(s) with clinical features of LMNA-related conditions (PMID: 17377071, 32528171). ClinVar contains an entry for this variant (Variation ID: 66789). Invitae Evidence Modeling of protein sequence and biophysical properties (such as structural, functional, and spatial information, amino acid conservation, physicochemical variation, residue mobility, and thermodynamic stability) indicates that this missense variant is expected to disrupt LMNA protein function with a positive predictive value of 95%. This variant disrupts the p.Arg388 amino acid residue in LMNA. Other variant(s) that disrupt this residue have been determined to be pathogenic (PMID: 28125586). This suggests that this residue is clinically significant, and that variants that disrupt this residue are likely to be disease-causing. In summary, the available evidence is currently insufficient to determine the role of this variant in disease. Therefore, it has been classified as a Variant of Uncertain Significance.

Ambry Genetics
Classification: Uncertain significance for Cardiovascular phenotype. Last evaluated: 2025-11-05. Review status: criteria provided, single submitter. Criteria: Ambry Variant Classification Scheme 2023. Collection method: clinical testing. Allele origin: germline.
Comment: The p.R388C variant (also known as c.1162C>T), located in coding exon 7 of the LMNA gene, results from a C to T substitution at nucleotide position 1162. The arginine at codon 388 is replaced by cysteine, an amino acid with highly dissimilar properties. This variant was reported in individual(s) with features consistent with LMNA-related laminopathy (Benedetti S et al. Neurology, 2007 Sep;69:1285-92; T&ouml;pf A et al. Genet Med, 2020 Sep;22:1478-1488). This amino acid position is well conserved in available vertebrate species. In addition, this alteration is predicted to be deleterious by in silico analysis. Based on the available evidence, the clinical significance of this variant remains unclear.

Genomic Medicine Center of Excellence, King Faisal Specialist Hospital and Research Centre
Classification: Uncertain significance for Congenital muscular dystrophy due to LMNA mutation. Last evaluated: 2024-04-04. Review status: criteria provided, single submitter. Criteria: ACMG Guidelines, 2015. Collection method: clinical testing. Allele origin: germline.

All of Us Research Program, National Institutes of Health
Classification: Uncertain significance for Primary dilated cardiomyopathy. Last evaluated: 2023-09-17. Review status: criteria provided, single submitter. Criteria: ACMG Guidelines, 2015. Collection method: clinical testing. Allele origin: germline. Inheritance: Autosomal dominant inheritance. Observed: 1 variant allele, 1 heterozygote.
Comment: This missense variant replaces arginine with cysteine at codon 388 of the LMNA protein. Computational prediction is inconclusive regarding the impact of this variant on protein structure and function (internally defined REVEL score threshold 0.5 < inconclusive < 0.7, PMID: 27666373). To our knowledge, functional studies have not been reported for this variant. This variant has been reported in an individual affected with unexplained limb-girdle weakness (PMID: 32528171). This variant has not been identified in the general population by the Genome Aggregation Database (gnomAD). The available evidence is insufficient to determine the role of this variant in disease conclusively. Therefore, this variant is classified as a Variant of Uncertain Significance.

This study involves interpretation of variants in research participants for the purpose of population health screening. Participant phenotype was not available at the time of variant classification. Additional details can be found in publication PMID: 35346344, PMCID: PMC8962531

Eurofins Ntd Llc (ga)
Classification: Uncertain significance. Last evaluated: 2016-12-28. Review status: criteria provided, single submitter. Criteria: EGL Classification Definitions 2015. Collection method: clinical testing. Allele origin: germline. Observed: 1 variant allele, 1 heterozygote.

Epithelial Biology;  Institute of Medical Biology, Singapore
No classification provided. Review status: no classification provided. Collection method: not provided. Allele origin: not provided. Not counted in ClinVar's aggregate classification.

Literature cited by the submitters: PubMed 17377071 (cited by 3 submitters); PubMed 32528171 (cited by 3 submitters); PubMed 28125586 (cited by Labcorp Genetics (formerly Invitae), Labcorp).

NM_170707.4(LMNA):c.1162C>T (p.Arg388Cys)

Gene: LMNA (lamin A/C; plus strand). Cytogenetic location: 1q22.
Variant type: single nucleotide variant.
Coding change: c.1162C>T on transcript NM_170707.4 (MANE Select); coding-DNA position 1162, C replaced by T.
Protein change: p.Arg388Cys; replaces arginine 388 with cysteine.
Molecular consequence: missense variant.
Genome position (GRCh38, 1-based): chr1:156,136,218, C>T. VCF-style: chr1-156136218-C-T. GRCh37 (hg19) VCF-style: chr1-156106009-C-T.
Other names: c.826C>T, p.Arg276Cys (NM_001257374.3); c.919C>T, p.Arg307Cys (NM_001282624.2); c.1162C>T, p.Arg388Cys (NM_001282625.2, NM_001282626.2, NM_005572.4 and 1 more transcripts); short protein forms R388C, R307C, R276C.
Identifiers: ClinVar variation 66789 (VCV000066789.15), dbSNP rs58133342, ClinGen allele CA016798.
Genomic context (GRCh38, chr1:156,136,218, plus strand): 5'-TCCTCTGGCCGGCAACTGGCCTTGACTAGACCCCCACTTGGTCTCCCTCTCCCCAGGCTA[C>T]GCCTGTCCCCCAGCCCTACCTCGCAGCGCAGCCGTGGCCGTGCTTCCTCTCACTCATCCC-3'
Protein context (NP_733821.1, residues 378-398): KLLEGEEERL[Arg388Cys]LSPSPTSQRS